The following is an entry in ClinVar:

ClinVar aggregate classification (germline): Likely pathogenic. Review status: criteria provided, multiple submitters, no conflicts (2 of 4 stars). 2 submissions from 2 submitters: Likely pathogenic (2). Last evaluated 2025-10-31.

Conditions:
Multiple sulfatase deficiency (MSD). Also called: Mucosulfatidosis; Multiple Sulfatase Deficiency Disease; Sulfatidosis, Juvenile, Austin Type. Identifiers: Orphanet 585, MedGen C0268263, MONDO:0010088, OMIM 272200.

Submissions (2):

Women's Health and Genetics/Laboratory Corporation of America, LabCorp
Classification: Likely pathogenic for Multiple sulfatase deficiency. Last evaluated: 2025-10-31. Review status: criteria provided, single submitter. Criteria: LabCorp Variant Classification Summary - May 2015. Collection method: clinical testing. Allele origin: germline.
Comment: Variant summary: SUMF1 c.451A>G (p.Lys151Glu) results in a conservative amino acid change located in the Sulfatase-modifying factor enzyme domain (IPR005532) of the encoded protein sequence. Three of five in-silico tools predict a benign effect of the variant on protein function. The variant was absent in 251432 control chromosomes. c.451A>G has been reported in the literature in at-least 2 individuals affected with Multiple sulfatase deficiency (Kotecha_2014, Meng_2013). These data indicate that the variant may be associated with disease. To our knowledge, no experimental evidence demonstrating an impact on protein function has been reported. The following publications have been ascertained in the context of this evaluation (PMID: 25222778, 24484558). ClinVar contains an entry for this variant (Variation ID: 1475088). Based on the evidence outlined above, the variant was classified as likely pathogenic.

Labcorp Genetics (formerly Invitae), Labcorp
Classification: Likely pathogenic for Multiple sulfatase deficiency. Last evaluated: 2021-01-31. Review status: criteria provided, single submitter. Criteria: Invitae Variant Classification Sherloc (09022015). Collection method: clinical testing. Allele origin: germline.
Comment: This sequence change replaces lysine with glutamic acid at codon 151 of the SUMF1 protein (p.Lys151Glu). The lysine residue is highly conserved and there is a small physicochemical difference between lysine and glutamic acid. This variant is not present in population databases (ExAC no frequency). In summary, the currently available evidence indicates that the variant is pathogenic, but additional data are needed to prove that conclusively. Therefore, this variant has been classified as Likely Pathogenic. Algorithms developed to predict the effect of missense changes on protein structure and function are either unavailable or do not agree on the potential impact of this missense change (SIFT: "Deleterious"; PolyPhen-2: "Benign"; Align-GVGD: "Class C0"). This variant has been observed in individual(s) with multiple sulfatase deficiency (PMID: 25222778, 24484558). In at least one individual the data is consistent with the variant being in trans (on the opposite chromosome) from a pathogenic variant.

Literature cited by the submitters: PubMed 25222778 (cited by Women's Health and Genetics/Laboratory Corporation of America, LabCorp and Labcorp Genetics (formerly Invitae), Labcorp); PubMed 24484558 (cited by Women's Health and Genetics/Laboratory Corporation of America, LabCorp and Labcorp Genetics (formerly Invitae), Labcorp).

NM_182760.4(SUMF1):c.451A>G (p.Lys151Glu)

Gene: SUMF1 (sulfatase modifying factor 1; minus strand). Cytogenetic location: 3p26.1.
Variant type: single nucleotide variant.
Coding change: c.451A>G on transcript NM_182760.4 (MANE Select); coding-DNA position 451, A replaced by G.
Protein change: p.Lys151Glu; replaces lysine 151 with glutamic acid.
Molecular consequence: missense variant. On other transcripts: intron variant (1).
Genome position (GRCh38, 1-based): chr3:4,449,334, T>C on the plus strand (A>G on the coding strand, the complement: SUMF1 is on the minus strand). VCF-style: chr3-4449334-T-C. GRCh37 (hg19) VCF-style: chr3-4491018-T-C.
Other names: c.451A>G, p.Lys151Glu (NM_001164675.2); c.444+3542A>G (NM_001164674.2); short protein forms K151E.
Identifiers: ClinVar variation 1475088 (VCV001475088.10), dbSNP rs2125124343, ClinGen allele CA351793037.